The following is an entry in ClinVar:

NM_001134407.3(GRIN2A):c.*6597G>A

Gene: GRIN2A (glutamate ionotropic receptor NMDA type subunit 2A; minus strand). Cytogenetic location: 16p13.2.
Variant type: single nucleotide variant.
Coding change: c.*6597G>A on transcript NM_001134407.3 (MANE Select); 6597 bases downstream of the stop codon, G replaced by A.
Molecular consequence: 3 prime UTR variant.
Genome position (GRCh38, 1-based): chr16:9,756,552, C>T on the plus strand (G>A on the coding strand, the complement: GRIN2A is on the minus strand). VCF-style: chr16-9756552-C-T. GRCh37 (hg19) VCF-style: chr16-9850409-C-T.
Other names: c.*6597G>A (NM_000833.5); c.*6803G>A (NM_001134408.2).
Identifiers: ClinVar variation 321504 (VCV000321504.5), dbSNP rs115306961, ClinGen allele CA10649403.

ClinVar aggregate classification (germline): Benign (1 of 4 stars; one submission).

Conditions:
Landau-Kleffner syndrome (FESD). Also called: EPILEPSY, FOCAL, WITH SPEECH DISORDER AND WITH OR WITHOUT MENTAL RETARDATION; APHASIA, ACQUIRED, WITH EPILEPSY. Identifiers: Orphanet 1945, Orphanet 725, Orphanet 98818, MedGen C0282512, MONDO:0009509, OMIM 245570.

Allele frequency attached by ClinVar (database versions not stated): gnomAD 0.00812 and 0.00763; 1000 Genomes Project 30x 0.00890; 1000 Genomes Project 0.00899; gnomAD exomes 0.00157; TOPMed 0.00857.
gnomAD v4.1: 1,240 of 207,888 alleles (0.6%); highest among the groups gnomAD compares: African/African-American, 2.6%; 16 homozygotes.

Submission:

Illumina Laboratory Services, Illumina
Classification: Benign for Landau-Kleffner syndrome. Last evaluated: 2018-01-12. Review status: criteria provided, single submitter. Criteria: ICSL Variant Classification Criteria 13 December 2019. Collection method: clinical testing. Allele origin: germline.
Comment: This variant was observed in the ICSL laboratory as part of a predisposition screen in an ostensibly healthy population. It had not been previously curated by ICSL or reported in the Human Gene Mutation Database (HGMD: prior to June 1st, 2018), and was therefore a candidate for classification through an automated scoring system. Utilizing variant allele frequency, disease prevalence and penetrance estimates, and inheritance mode, an automated score was calculated to assess if this variant is too frequent to cause the disease. Based on the score and internal cut-off values, a variant classified as benign is not then subjected to further curation. The score for this variant resulted in a classification of benign for this disease.